The following is an entry in ClinVar:

ClinVar aggregate classification (germline): Uncertain significance (1 of 4 stars; one submission).

gnomAD v4.1: 4 of 1,613,340 alleles (0.00025%); highest among the groups gnomAD compares: Non-Finnish European, 0.00034%; no homozygotes.

Submission:

CeGaT Center for Human Genetics Tuebingen
Classification: Uncertain significance. Last evaluated: 2024-07-01. Review status: criteria provided, single submitter. Criteria: CeGaT Center For Human Genetics Tuebingen Variant Classification Criteria Version 2. Collection method: clinical testing. Allele origin: germline. Affected: yes. Observed: 1 variant allele.
Comment: RAD21: PM2

NM_006265.3(RAD21):c.1516C>G (p.Pro506Ala)

Gene: RAD21 (RAD21 cohesin complex component; minus strand). Cytogenetic location: 8q24.11.
Variant type: single nucleotide variant.
Coding change: c.1516C>G on transcript NM_006265.3 (MANE Select); coding-DNA position 1516, C replaced by G.
Protein change: p.Pro506Ala; replaces proline 506 with alanine.
Molecular consequence: missense variant.
Genome position (GRCh38, 1-based): chr8:116,850,722, G>C on the plus strand (C>G on the coding strand, the complement: RAD21 is on the minus strand). VCF-style: chr8-116850722-G-C. GRCh37 (hg19) VCF-style: chr8-117862961-G-C.
Other names: short protein forms P506A.
Identifiers: ClinVar variation 3257319 (VCV003257319.17).